The following is an entry in ClinVar:

ClinVar aggregate classification (germline): Uncertain significance (1 of 4 stars; one submission).

Conditions:
Inborn genetic diseases. Identifiers: MedGen C0950123, MeSH D030342.

Submission:

Ambry Genetics
Classification: Uncertain significance for Inborn genetic diseases. Last evaluated: 2025-12-02. Review status: criteria provided, single submitter. Criteria: Ambry Variant Classification Scheme 2023. Collection method: clinical testing. Allele origin: germline.
Comment: The p.Q1443H variant (also known as c.4329A>C), located in coding exon 1 of the SAMD9L gene, results from an A to C substitution at nucleotide position 4329. The glutamine at codon 1443 is replaced by histidine, an amino acid with highly similar properties. This amino acid position is conserved. In addition, this alteration is predicted to be tolerated by in silico analysis. Based on the available evidence, the clinical significance of this variant remains unclear.

NM_152703.5(SAMD9L):c.4329A>C (p.Gln1443His)

Gene: SAMD9L (sterile alpha motif domain containing 9 like; minus strand). Cytogenetic location: 7q21.2.
Variant type: single nucleotide variant.
Coding change: c.4329A>C on transcript NM_152703.5 (MANE Select); coding-DNA position 4329, A replaced by C.
Protein change: p.Gln1443His; replaces glutamine 1443 with histidine.
Molecular consequence: missense variant.
Genome position (GRCh38, 1-based): chr7:93,131,643, T>G on the plus strand (A>C on the coding strand, the complement: SAMD9L is on the minus strand). VCF-style: chr7-93131643-T-G. GRCh37 (hg19) VCF-style: chr7-92760956-T-G.
Other names: c.4329A>C, p.Gln1443His (NM_001303496.3, NM_001303497.3, NM_001303498.3 and 5 more transcripts); short protein forms Q1443H.
Identifiers: ClinVar variation 4630153 (VCV004630153.1).